The following is an entry in ClinVar:

ClinVar aggregate classification (germline): Uncertain significance (1 of 4 stars; one submission).

Conditions:
Neuropathy, hereditary sensory, type 1F. Also called: Hereditary sensory neuropathy type IF; HSN IF. Identifiers: Orphanet 36386, MedGen C3810194, MONDO:0014286, OMIM 615632.

Submission:

Labcorp Genetics (formerly Invitae), Labcorp
Classification: Uncertain significance for Neuropathy, hereditary sensory, type 1F. Last evaluated: 2022-02-03. Review status: criteria provided, single submitter. Criteria: Invitae Variant Classification Sherloc (09022015). Collection method: clinical testing. Allele origin: germline.
Comment: This variant results in a copy number gain of the genomic region encompassing exon(s) 9-13 of the ATL3 gene. This region includes the termination codon of the gene. This copy number gain extends beyond the assayed region for this gene and therefore may encompass additional genes. As the precise location of this event is unknown, it may be in tandem or it may be located elsewhere in the genome. A similar copy number variant has been observed in individual(s) with clinical features of hereditary sensory and autonomic neuropathy (HSAN) (Invitae). Experimental studies and prediction algorithms are not available or were not evaluated, and the functional significance of this variant is currently unknown. In summary, the available evidence is currently insufficient to determine the role of this variant in disease. Therefore, it has been classified as a Variant of Uncertain Significance.

NC_000011.9:g.(?_63396781)_(63403816_?)dup

Gene: ATL3 (atlastin GTPase 3; minus strand). Cytogenetic location: 11q12.3-13.1.
Variant type: Duplication.
Identifiers: ClinVar variation 1004273 (VCV001004273.2).